The following is an entry in ClinVar:

ClinVar aggregate classification (germline): Conflicting classifications of pathogenicity. Review status: criteria provided, conflicting classifications (1 of 4 stars). 8 submissions from 8 submitters: Uncertain significance (1); Benign (2); Likely benign (5). Last evaluated 2026-05-01.

Conditions:
Motor neuron disease. Also called: Degenerative motor system disease; Motor neuron disorder. Identifiers: Orphanet 98503, MedGen C0085084, MONDO:0020128.
Short-rib thoracic dysplasia 6 with or without polydactyly (SRTD6). Also called: SHORT-RIB THORACIC DYSPLASIA 6 WITH POLYDACTYLY; SHORT-RIB THORACIC DYSPLASIA 6 WITHOUT POLYDACTYLY; POLYDACTYLY WITH NEONATAL CHONDRODYSTROPHY, TYPE II; SHORT RIB-POLYDACTYLY SYNDROME, TYPE IIA; Majewski Syndrome. Identifiers: MedGen C0024507, MONDO:0009894, OMIM 263520.

Allele frequency attached by ClinVar (database versions not stated): 1000 Genomes Project 30x 0.00031; 1000 Genomes Project 0.00040; gnomAD 0.00063 and 0.00064; TOPMed 0.00064; ESP Exome Variant Server 0.00076.
gnomAD v4.1: 1,082 of 1,607,920 alleles (0.067%); highest among the groups gnomAD compares: Middle Eastern, 1.5%; 10 homozygotes.

Submissions (8):

CeGaT Center for Human Genetics Tuebingen
Classification: Likely benign. Last evaluated: 2026-05-01. Review status: criteria provided, single submitter. Criteria: CeGaT Center For Human Genetics Tuebingen Variant Classification Criteria Version 2. Collection method: clinical testing. Allele origin: germline. Affected: yes. Observed: 4 variant alleles.
Comment: NEK1: BP4, BS1

Labcorp Genetics (formerly Invitae), Labcorp
Classification: Benign for Short-rib thoracic dysplasia 6 with or without polydactyly. Last evaluated: 2026-01-20. Review status: criteria provided, single submitter. Criteria: Invitae Variant Classification Sherloc (09022015). Collection method: clinical testing. Allele origin: germline.

Blueprint Genetics
Classification: Likely benign. Last evaluated: 2024-10-16. Review status: criteria provided, single submitter. Criteria: ACMG Guidelines, 2015. Collection method: clinical testing. Allele origin: germline.

Eurofins Ntd Llc (ga)
Classification: Likely benign. Last evaluated: 2018-05-21. Review status: criteria provided, single submitter. Criteria: EGL ClinVar v180209 classification definitions. Collection method: clinical testing. Allele origin: germline. Observed: 3 variant alleles, 3 heterozygotes.

Illumina Laboratory Services, Illumina
Classification: Uncertain significance for Short-rib thoracic dysplasia 6 with or without polydactyly. Last evaluated: 2018-01-13. Review status: criteria provided, single submitter. Criteria: ICSL Variant Classification Criteria 13 December 2019. Collection method: clinical testing. Allele origin: germline.

ARUP Laboratories, Molecular Genetics and Genomics, ARUP Laboratories
Classification: Likely benign. Last evaluated: 2017-12-23. Review status: criteria provided, single submitter. Criteria: ARUP Molecular Germline Variant Investigation Process. Collection method: clinical testing. Allele origin: germline.
Comment: The c.2053G>A p.Val685Met variant (rs199827465), to our knowledge, is not reported in the medical literature nor has it been previously identified by our laboratory, but is listed as benign/likely benign/VUS in ClinVar (ClinVar ID:266049). This variant is listed in the genome Aggregation Database (gnomAD) with an Ashkenazi Jewish population frequency of 1.2% (identified on 120 out of 10,056 chromosomes). The valine at position 685 is weakly conserved considering 10 species and computational analyses of the effects of the p.Val685Met variant on protein structure and function predict no harmful effects (SIFT: tolerated, MutationTaster: polymorphism, PolyPhen-2: benign). Based on the available information, the p.Val685Met variant is likely to be benign.

Centre for Genomic and Experimental Medicine, University of Edinburgh
Classification: Likely benign for Motor neuron disease. Last evaluated: 2016-08-31. Review status: criteria provided, single submitter. Criteria: Submitter's publication. Collection method: case-control. Allele origin: unknown. Affected: yes and no. Observed: 2 heterozygotes.

GeneDx
Classification: Benign. Last evaluated: 2016-05-23. Review status: criteria provided, single submitter. Criteria: GeneDx Variant Classification (06012015). Collection method: clinical testing. Allele origin: germline. Affected: yes.
Comment: This variant is considered likely benign or benign based on one or more of the following criteria: it is a conservative change, it occurs at a poorly conserved position in the protein, it is predicted to be benign by multiple in silico algorithms, and/or has population frequency not consistent with disease.

Literature cited by the submitters: PubMed 28089114 (cited by Centre for Genomic and Experimental Medicine, University of Edinburgh).

NM_001199397.3(NEK1):c.2137G>A (p.Val713Met)

Gene: NEK1 (NIMA related kinase 1; minus strand). Cytogenetic location: 4q33.
Variant type: single nucleotide variant.
Coding change: c.2137G>A on transcript NM_001199397.3 (MANE Select); coding-DNA position 2137, G replaced by A.
Protein change: p.Val713Met; replaces valine 713 with methionine.
Molecular consequence: missense variant. On other transcripts: non-coding transcript variant (1).
Genome position (GRCh38, 1-based): chr4:169,479,405, C>T on the plus strand (G>A on the coding strand, the complement: NEK1 is on the minus strand). VCF-style: chr4-169479405-C-T. GRCh37 (hg19) VCF-style: chr4-170400556-C-T.
Other names: c.2005G>A, p.Val669Met (NM_001199398.3); c.1846G>A, p.Val616Met (NM_001199399.3); c.1921G>A, p.Val641Met (NM_001199400.3); c.2137G>A, p.Val713Met (NM_001374418.1); c.2053G>A, p.Val685Met (NM_001374419.1, NM_012224.4); c.2002G>A, p.Val668Met (NM_001374420.1); c.1831G>A, p.Val611Met (NM_001374421.1); short protein forms V685M, V713M, V616M, V669M, V641M, V611M, V668M.
Identifiers: ClinVar variation 266049 (VCV000266049.46), dbSNP rs199827465, ClinGen allele CA3137507.